The following is an entry in ClinVar:

NM_177438.3(DICER1):c.3694A>T (p.Ser1232Cys)

Gene: DICER1 (dicer 1, ribonuclease III; minus strand). Cytogenetic location: 14q32.13.
Variant type: single nucleotide variant.
Coding change: c.3694A>T on transcript NM_177438.3 (MANE Select); coding-DNA position 3694, A replaced by T.
Protein change: p.Ser1232Cys; replaces serine 1232 with cysteine.
Molecular consequence: missense variant. On other transcripts: non-coding transcript variant (6).
Genome position (GRCh38, 1-based): chr14:95,103,702, T>A on the plus strand (A>T on the coding strand, the complement: DICER1 is on the minus strand). VCF-style: chr14-95103702-T-A. GRCh37 (hg19) VCF-style: chr14-95570039-T-A.
Other names: c.3694A>T, p.Ser1232Cys (NM_001395693.1, NM_001395694.1, NM_001395695.1 and 12 more transcripts); c.3289A>T, p.Ser1097Cys (NM_001395696.1, NM_001395687.1, NM_001395688.1 and 2 more transcripts); c.2011A>T, p.Ser671Cys (NM_001395697.1); c.3412A>T, p.Ser1138Cys (NM_001395686.1); c.3127A>T, p.Ser1043Cys (NM_001395691.1); short protein forms S1097C, S1232C, S671C, S1043C, S1138C.
Identifiers: ClinVar variation 5035316 (VCV005035316.1).

ClinVar aggregate classification (germline): Uncertain significance (1 of 4 stars; one submission).

Conditions:
Hereditary cancer-predisposing syndrome. Also called: Hereditary Cancer Syndrome; Neoplastic Syndromes, Hereditary; Tumor predisposition; Hereditary neoplastic syndrome. Identifiers: Orphanet 140162, MedGen C0027672, MeSH D009386, MONDO:0015356.

Submission:

Ambry Genetics
Classification: Uncertain significance for Hereditary cancer-predisposing syndrome. Last evaluated: 2026-08-16. Review status: criteria provided, single submitter. Criteria: Ambry Variant Classification Scheme 2023. Collection method: clinical testing. Allele origin: germline.
Comment: The p.S1232C variant (also known as c.3694A>T), located in coding exon 20 of the DICER1 gene, results from an A to T substitution at nucleotide position 3694. The serine at codon 1232 is replaced by cysteine, an amino acid with dissimilar properties. This amino acid position is conserved. In addition, the in silico prediction for this alteration is inconclusive. Based on the available evidence, the clinical significance of this variant remains unclear.